The following is an entry in ClinVar:

NM_006949.4(STXBP2):c.1037A>T (p.His346Leu)

Gene: STXBP2 (syntaxin binding protein 2; plus strand). Cytogenetic location: 19p13.2.
Variant type: single nucleotide variant.
Coding change: c.1037A>T on transcript NM_006949.4 (MANE Select); coding-DNA position 1037, A replaced by T.
Protein change: p.His346Leu; replaces histidine 346 with leucine.
Molecular consequence: missense variant.
Genome position (GRCh38, 1-based): chr19:7,643,175, A>T. VCF-style: chr19-7643175-A-T. GRCh37 (hg19) VCF-style: chr19-7708061-A-T.
Other names: c.1028A>T, p.His343Leu (NM_001127396.3); c.1070A>T, p.His357Leu (NM_001272034.2); short protein forms H346L, H343L, H357L.
Identifiers: ClinVar variation 1354758 (VCV001354758.6), dbSNP rs765133484, ClinGen allele CA9143951.

ClinVar aggregate classification (germline): Uncertain significance (1 of 4 stars; one submission).

Conditions:
Familial hemophagocytic lymphohistiocytosis 5. Also called: STXBP2-Related Familial Hemophagocytic Lymphohistiocytosis (STXBP2-fHLH). Identifiers: Orphanet 540, MedGen C2751293, MONDO:0013135, OMIM 613101.

Allele frequency attached by ClinVar (database versions not stated): ExAC 0.00001; gnomAD 0.00001.
gnomAD v4.1: 1 of 1,613,708 alleles (0.000062%); highest among the groups gnomAD compares: African/African-American, 0.0013%; no homozygotes.

Submission:

Labcorp Genetics (formerly Invitae), Labcorp
Classification: Uncertain significance for Familial hemophagocytic lymphohistiocytosis 5. Last evaluated: 2025-03-03. Review status: criteria provided, single submitter. Criteria: Invitae Variant Classification Sherloc (09022015). Collection method: clinical testing. Allele origin: germline.
Comment: This sequence change replaces histidine, which is basic and polar, with leucine, which is neutral and non-polar, at codon 346 of the STXBP2 protein (p.His346Leu). This variant is present in population databases (rs765133484, gnomAD 0.007%). This variant has not been reported in the literature in individuals affected with STXBP2-related conditions. ClinVar contains an entry for this variant (Variation ID: 1354758). Invitae Evidence Modeling of protein sequence and biophysical properties (such as structural, functional, and spatial information, amino acid conservation, physicochemical variation, residue mobility, and thermodynamic stability) has been performed for this missense variant. However, the output from this modeling did not meet the statistical confidence thresholds required to predict the impact of this variant on STXBP2 protein function. In summary, the available evidence is currently insufficient to determine the role of this variant in disease. Therefore, it has been classified as a Variant of Uncertain Significance.